The following is an entry in ClinVar:

ClinVar aggregate classification (germline): Uncertain significance (1 of 4 stars; one submission).

Conditions:
FOXL2-related disorder. Also called: FOXL2-related condition.

Allele frequency attached by ClinVar (database versions not stated): TOPMed below 0.00001.

Submission:

PreventionGenetics, part of Exact Sciences
Classification: Uncertain significance for FOXL2-related condition. Last evaluated: 2023-06-30. Review status: criteria provided, single submitter. Criteria: ACMG Guidelines, 2015. Collection method: clinical testing. Allele origin: germline.
Comment: The FOXL2 c.1115C>T variant is predicted to result in the amino acid substitution p.Ser372Leu. To our knowledge, this variant has not been reported in the literature or in a large population database, indicating this variant is rare. At this time, the clinical significance of this variant is uncertain due to the absence of conclusive functional and genetic evidence.

NM_023067.4(FOXL2):c.1115C>T (p.Ser372Leu)

Gene: FOXL2 (forkhead box L2; minus strand). Cytogenetic location: 3q22.3.
Variant type: single nucleotide variant.
Coding change: c.1115C>T on transcript NM_023067.4 (MANE Select); coding-DNA position 1115, C replaced by T.
Protein change: p.Ser372Leu; replaces serine 372 with leucine.
Molecular consequence: missense variant.
Genome position (GRCh38, 1-based): chr3:138,945,608, G>A on the plus strand (C>T on the coding strand, the complement: FOXL2 is on the minus strand). VCF-style: chr3-138945608-G-A. GRCh37 (hg19) VCF-style: chr3-138664450-G-A.
Other names: short protein forms S372L.
Identifiers: ClinVar variation 2631816 (VCV002631816.1), dbSNP rs1935937641, ClinGen allele CA354700100.